The following is an entry in ClinVar:

NM_001243925.2(MAPKAPK3):c.278G>A (p.Gly93Asp)

Gene: MAPKAPK3 (MAPK activated protein kinase 3; plus strand). Cytogenetic location: 3p21.2.
Variant type: single nucleotide variant.
Coding change: c.278G>A on transcript NM_001243925.2 (MANE Select); coding-DNA position 278, G replaced by A.
Protein change: p.Gly93Asp; replaces glycine 93 with aspartic acid.
Molecular consequence: missense variant.
Genome position (GRCh38, 1-based): chr3:50,640,424, G>A. VCF-style: chr3-50640424-G-A. GRCh37 (hg19) VCF-style: chr3-50677855-G-A.
Other names: c.278G>A, p.Gly93Asp (NM_001243926.2, NM_004635.5); short protein forms G93D.
Identifiers: ClinVar variation 959558 (VCV000959558.7), dbSNP rs2033151576, ClinGen allele CA352925834.

ClinVar aggregate classification (germline): Uncertain significance (1 of 4 stars; one submission).

Submission:

Labcorp Genetics (formerly Invitae), Labcorp
Classification: Uncertain significance. Last evaluated: 2022-08-23. Review status: criteria provided, single submitter. Criteria: Invitae Variant Classification Sherloc (09022015). Collection method: clinical testing. Allele origin: germline.
Comment: In summary, the available evidence is currently insufficient to determine the role of this variant in disease. Therefore, it has been classified as a Variant of Uncertain Significance. Algorithms developed to predict the effect of missense changes on protein structure and function (SIFT, PolyPhen-2, Align-GVGD) all suggest that this variant is likely to be tolerated. ClinVar contains an entry for this variant (Variation ID: 959558). This variant has not been reported in the literature in individuals affected with MAPKAPK3-related conditions. This variant is not present in population databases (gnomAD no frequency). This sequence change replaces glycine, which is neutral and non-polar, with aspartic acid, which is acidic and polar, at codon 93 of the MAPKAPK3 protein (p.Gly93Asp).